The following is an entry in ClinVar:

NM_006389.5(HYOU1):c.795-17C>T

Gene: HYOU1 (hypoxia up-regulated 1; minus strand). Cytogenetic location: 11q23.3.
Variant type: single nucleotide variant.
Coding change: c.795-17C>T on transcript NM_006389.5 (MANE Select); 17 bases into the intron before coding-DNA position 795, C replaced by T.
Molecular consequence: intron variant.
Genome position (GRCh38, 1-based): chr11:119,052,846, G>A on the plus strand (C>T on the coding strand, the complement: HYOU1 is on the minus strand). VCF-style: chr11-119052846-G-A. GRCh37 (hg19) VCF-style: chr11-118923558-G-A.
Other names: c.795-17C>T (NM_001130991.3, NM_001411041.1).
Identifiers: ClinVar variation 2877451 (VCV002877451.3), dbSNP rs1297658736, ClinGen allele CA672396310.

ClinVar aggregate classification (germline): Uncertain significance (1 of 4 stars; one submission).

Allele frequency attached by ClinVar (database versions not stated): gnomAD exomes below 0.00001; gnomAD 0.00001; TOPMed 0.00001.

Submission:

Labcorp Genetics (formerly Invitae), Labcorp
Classification: Uncertain significance. Last evaluated: 2023-01-19. Review status: criteria provided, single submitter. Criteria: Invitae Variant Classification Sherloc (09022015). Collection method: clinical testing. Allele origin: germline.
Comment: This sequence change falls in intron 8 of the HYOU1 gene. It does not directly change the encoded amino acid sequence of the HYOU1 protein. In summary, the available evidence is currently insufficient to determine the role of this variant in disease. Therefore, it has been classified as a Variant of Uncertain Significance. This variant has not been reported in the literature in individuals affected with HYOU1-related conditions. This variant is not present in population databases (gnomAD no frequency).